The following is an entry in ClinVar:

NM_004522.3(KIF5C):c.501+8G>A

Gene: KIF5C (kinesin family member 5C; plus strand). Cytogenetic location: 2q23.1.
Variant type: single nucleotide variant.
Coding change: c.501+8G>A on transcript NM_004522.3 (MANE Select); 8 bases into the intron after coding-DNA position 501, G replaced by A.
Molecular consequence: intron variant.
Genome position (GRCh38, 1-based): chr2:148,941,998, G>A. VCF-style: chr2-148941998-G-A. GRCh37 (hg19) VCF-style: chr2-149798512-G-A.
Identifiers: ClinVar variation 380921 (VCV000380921.2), dbSNP rs13411910, ClinGen allele CA1901243.

ClinVar aggregate classification (germline): Benign. Review status: criteria provided, multiple submitters, no conflicts (2 of 4 stars). 2 submissions from 2 submitters: Benign (2). Last evaluated 2016-02-19.

Allele frequency attached by ClinVar (database versions not stated): 1000 Genomes Project 0.01418; 1000 Genomes Project 30x 0.01515; TOPMed 0.02575; ExAC 0.02780; ESP Exome Variant Server 0.02814; gnomAD 0.02832 and 0.02874; gnomAD exomes 0.02882 and 0.03426.
gnomAD v4.1: 54,303 of 1,609,894 alleles (3.4%); highest among the groups gnomAD compares: Middle Eastern, 4.9%; 1,017 homozygotes.

Submissions (2):

GeneDx
Classification: Benign. Last evaluated: 2016-02-19. Review status: criteria provided, single submitter. Criteria: GeneDx Variant Classification (06012015). Collection method: clinical testing. Allele origin: germline. Affected: yes.
Comment: This variant is considered likely benign or benign based on one or more of the following criteria: it is a conservative change, it occurs at a poorly conserved position in the protein, it is predicted to be benign by multiple in silico algorithms, and/or has population frequency not consistent with disease.

Breakthrough Genomics
Classification: Benign. Review status: criteria provided, single submitter. Criteria: ACMG Guidelines, 2015. Collection method: not provided. Allele origin: germline. Inheritance: Autosomal dominant inheritance. Affected: yes.